The following is an entry in ClinVar:

ClinVar aggregate classification (germline): Likely benign. Review status: criteria provided, multiple submitters, no conflicts (2 of 4 stars). 2 submissions from 2 submitters: Likely benign (2). Last evaluated 2026-04-01.

Conditions:
ATP2B1-related disorder. Also called: ATP2B1-related condition.

gnomAD v4.1: 975 of 1,614,116 alleles (0.06%); highest among the groups gnomAD compares: South Asian, 0.15%; 2 homozygotes.

Submissions (2):

CeGaT Center for Human Genetics Tuebingen
Classification: Likely benign. Last evaluated: 2026-04-01. Review status: criteria provided, single submitter. Criteria: CeGaT Center For Human Genetics Tuebingen Variant Classification Criteria Version 2. Collection method: clinical testing. Allele origin: germline. Affected: yes. Observed: 2 variant alleles.
Comment: ATP2B1: BS2

PreventionGenetics, part of Exact Sciences
Classification: Likely benign for ATP2B1-related condition. Last evaluated: 2024-11-15. Review status: criteria provided, single submitter. Criteria: ACMG Guidelines, 2015. Collection method: clinical testing. Allele origin: germline.
Comment: This variant is classified as likely benign based on ACMG/AMP sequence variant interpretation guidelines (Richards et al. 2015 PMID: 25741868, with internal and published modifications).

NM_001366521.1(ATP2B1):c.89C>T (p.Thr30Met)

Gene: ATP2B1 (ATPase plasma membrane Ca2+ transporting 1; minus strand). Cytogenetic location: 12q21.33.
Variant type: single nucleotide variant.
Coding change: c.89C>T on transcript NM_001366521.1 (MANE Select); coding-DNA position 89, C replaced by T.
Protein change: p.Thr30Met; replaces threonine 30 with methionine.
Molecular consequence: missense variant. On other transcripts: non-coding transcript variant (3).
Genome position (GRCh38, 1-based): chr12:89,655,798, G>A on the plus strand (C>T on the coding strand, the complement: ATP2B1 is on the minus strand). VCF-style: chr12-89655798-G-A. GRCh37 (hg19) VCF-style: chr12-90049575-G-A.
Other names: c.89C>T, p.Thr30Met (NM_001366523.1, NM_001366524.1, NM_001366525.1 and 26 more transcripts); short protein forms T30M.
Identifiers: ClinVar variation 4823878 (VCV004823878.5).
Genomic context (GRCh38, chr12:89,655,798, plus strand): 5'-TGTATTTTTCGTAATGCATCTGTGGACCTGAGCTCCATGAGAGCCCGCAGCTCTGCGAGC[G>A]TAATTCCAAAGTCTCCATCATGATTAGCTTCCTTCAAAGAGTTTTTCACACCACTGTAAG-3'
Protein context (NP_001353450.1, residues 20-40): EANHDGDFGI[Thr30Met]LAELRALMEL